The following is an entry in ClinVar:

ClinVar aggregate classification (germline): Uncertain significance (1 of 4 stars; one submission).

Conditions:
Werner syndrome (WRN). Identifiers: Orphanet 902, MedGen C0043119, MONDO:0010196, OMIM 277700.

Allele frequency attached by ClinVar (database versions not stated): gnomAD exomes below 0.00001; TOPMed 0.00001.
gnomAD v4.1: 1 of 1,613,076 alleles (0.000062%); highest among the groups gnomAD compares: African/African-American, 0.0013%; no homozygotes.

Submission:

Labcorp Genetics (formerly Invitae), Labcorp
Classification: Uncertain significance for Werner syndrome. Last evaluated: 2022-04-28. Review status: criteria provided, single submitter. Criteria: Invitae Variant Classification Sherloc (09022015). Collection method: clinical testing. Allele origin: germline.
Comment: This sequence change replaces isoleucine, which is neutral and non-polar, with valine, which is neutral and non-polar, at codon 299 of the WRN protein (p.Ile299Val). In summary, the available evidence is currently insufficient to determine the role of this variant in disease. Therefore, it has been classified as a Variant of Uncertain Significance. Algorithms developed to predict the effect of sequence changes on RNA splicing suggest that this variant may create or strengthen a splice site. Algorithms developed to predict the effect of missense changes on protein structure and function are either unavailable or do not agree on the potential impact of this missense change (SIFT: "Not Available"; PolyPhen-2: "Benign"; Align-GVGD: "Not Available"). This variant has not been reported in the literature in individuals affected with WRN-related conditions. This variant is not present in population databases (gnomAD no frequency).

NM_000553.6(WRN):c.895A>G (p.Ile299Val)

Gene: WRN (WRN RecQ like helicase; plus strand). Cytogenetic location: 8p12.
Variant type: single nucleotide variant.
Coding change: c.895A>G on transcript NM_000553.6 (MANE Select); coding-DNA position 895, A replaced by G.
Protein change: p.Ile299Val; replaces isoleucine 299 with valine.
Molecular consequence: missense variant.
Genome position (GRCh38, 1-based): chr8:31,080,922, A>G. VCF-style: chr8-31080922-A-G. GRCh37 (hg19) VCF-style: chr8-30938438-A-G.
Other names: short protein forms I299V.
Identifiers: ClinVar variation 1345994 (VCV001345994.8), dbSNP rs1813277773, ClinGen allele CA370919787.